The following is an entry in ClinVar:

ClinVar aggregate classification (germline): Conflicting classifications of pathogenicity. Review status: criteria provided, conflicting classifications (1 of 4 stars). 9 submissions from 8 submitters: Uncertain significance (7); Likely benign (2). Last evaluated 2024-10-24.

Conditions:
Inborn genetic diseases. Identifiers: MedGen C0950123, MeSH D030342.
Usher syndrome type 1D (USH1D). Also called: USHER SYNDROME, TYPE ID. Identifiers: Orphanet 231169, Orphanet 886, MedGen C1832845, MONDO:0010984, OMIM 601067.
Autosomal recessive nonsyndromic hearing loss 12. Also called: DEAFNESS, AUTOSOMAL RECESSIVE 12. Identifiers: Orphanet 90636, MedGen C1832394, MONDO:0011067, OMIM 601386.

Allele frequency attached by ClinVar (database versions not stated): gnomAD 0.00005 and 0.00006; TOPMed 0.00007.
gnomAD v4.1: 210 of 1,612,936 alleles (0.013%); highest among the groups gnomAD compares: Non-Finnish European, 0.016%; no homozygotes.

Submissions (9):

Blueprint Genetics
Classification: Uncertain significance. Last evaluated: 2024-10-24. Review status: criteria provided, single submitter. Criteria: ACMG Guidelines, 2015. Collection method: clinical testing. Allele origin: germline.

Ambry Genetics
Classification: Likely benign for Inborn genetic diseases. Last evaluated: 2023-03-24. Review status: criteria provided, single submitter. Criteria: Ambry Variant Classification Scheme 2023. Collection method: clinical testing. Allele origin: germline.

Labcorp Genetics (formerly Invitae), Labcorp
Classification: Uncertain significance. Last evaluated: 2022-09-25. Review status: criteria provided, single submitter. Criteria: Invitae Variant Classification Sherloc (09022015). Collection method: clinical testing. Allele origin: germline.
Comment: This sequence change replaces valine, which is neutral and non-polar, with isoleucine, which is neutral and non-polar, at codon 1111 of the CDH23 protein (p.Val1111Ile). This variant is present in population databases (rs397517321, gnomAD 0.009%). This variant has not been reported in the literature in individuals affected with CDH23-related conditions. ClinVar contains an entry for this variant (Variation ID: 45914). Advanced modeling of protein sequence and biophysical properties (such as structural, functional, and spatial information, amino acid conservation, physicochemical variation, residue mobility, and thermodynamic stability) performed at Invitae indicates that this missense variant is not expected to disrupt CDH23 protein function. In summary, the available evidence is currently insufficient to determine the role of this variant in disease. Therefore, it has been classified as a Variant of Uncertain Significance.

GeneDx
Classification: Uncertain significance. Last evaluated: 2021-12-27. Review status: criteria provided, single submitter. Criteria: GeneDx Variant Classification Process June 2021. Collection method: clinical testing. Allele origin: germline. Affected: yes.
Comment: In silico analysis supports that this missense variant does not alter protein structure/function; Has not been previously published as pathogenic or benign to our knowledge

Pars Genome Lab
Classification: Uncertain significance for Usher syndrome type 1D. Last evaluated: 2021-05-18. Review status: criteria provided, single submitter. Criteria: ACMG Guidelines, 2015. Collection method: clinical testing. Allele origin: germline. Affected: no.

Illumina Laboratory Services, Illumina
Classification: Uncertain significance for Autosomal recessive nonsyndromic hearing loss 12. Last evaluated: 2018-01-12. Review status: criteria provided, single submitter. Criteria: ICSL Variant Classification Criteria 13 December 2019. Collection method: clinical testing. Allele origin: germline.

Illumina Laboratory Services, Illumina
Classification: Uncertain significance for Usher syndrome type 1D. Last evaluated: 2018-01-12. Review status: criteria provided, single submitter. Criteria: ICSL Variant Classification Criteria 13 December 2019. Collection method: clinical testing. Allele origin: germline.

CeGaT Center for Human Genetics Tuebingen
Classification: Uncertain significance. Last evaluated: 2016-12-01. Review status: criteria provided, single submitter. Criteria: CeGaT Center For Human Genetics Tuebingen Variant Classification Criteria Version 2. Collection method: clinical testing. Allele origin: germline. Affected: yes. Observed: 1 variant allele.

Laboratory for Molecular Medicine, Mass General Brigham Personalized Medicine
Classification: Likely benign. Last evaluated: 2010-10-04. Review status: criteria provided, single submitter. Criteria: LMM Criteria. Collection method: clinical testing. Allele origin: germline. Observed: 2 variant alleles.
Comment: Val1111Ile in exon 28 of CDH23: This variant is not expected to have clinical si gnificance because this residue is not highly conserved across species. Of note, Orangutan and Stickleback have a isoleucine at this position. In addition, comp utational analyses (PolyPhen, SIFT, AlignGVGD) do not suggest a high likelihood of clinical significance.

NM_022124.6(CDH23):c.3331G>A (p.Val1111Ile)

Genes: C10orf105 (chromosome 10 open reading frame 105; minus strand), CDH23 (cadherin related 23; plus strand). Cytogenetic location: 10q22.1.
Variant type: single nucleotide variant.
Coding change: c.3331G>A on transcript NM_022124.6 (MANE Select); coding-DNA position 3331, G replaced by A.
Protein change: p.Val1111Ile; replaces valine 1111 with isoleucine.
Molecular consequence: missense variant. On other transcripts: 3 prime UTR variant (2).
Genome position (GRCh38, 1-based): chr10:71,712,775, G>A. VCF-style: chr10-71712775-G-A. GRCh37 (hg19) VCF-style: chr10-73472532-G-A.
Other names: c.*3161C>T (NM_001164375.3, NM_001168390.2); c.3331G>A, p.Val1111Ile (NM_001171930.2); short protein forms V1111I.
Identifiers: ClinVar variation 45914 (VCV000045914.58), dbSNP rs397517321, ClinGen allele CA137366.